The following is an entry in ClinVar:

NM_198129.4(LAMA3):c.7313A>G (p.Tyr2438Cys)

Gene: LAMA3 (laminin subunit alpha 3; plus strand). Cytogenetic location: 18q11.2.
Variant type: single nucleotide variant.
Coding change: c.7313A>G on transcript NM_198129.4 (MANE Select); coding-DNA position 7313, A replaced by G.
Protein change: p.Tyr2438Cys; replaces tyrosine 2438 with cysteine.
Molecular consequence: missense variant.
Genome position (GRCh38, 1-based): chr18:23,912,865, A>G. VCF-style: chr18-23912865-A-G. GRCh37 (hg19) VCF-style: chr18-21492829-A-G.
Other names: c.2486A>G, p.Tyr829Cys (NM_000227.6); c.7145A>G, p.Tyr2382Cys (NM_001127717.4); c.2318A>G, p.Tyr773Cys (NM_001127718.4); short protein forms Y2382C, Y2438C, Y773C, Y829C.
Identifiers: ClinVar variation 3616911 (VCV003616911.2).

ClinVar aggregate classification (germline): Uncertain significance (1 of 4 stars; one submission).

Submission:

Labcorp Genetics (formerly Invitae), Labcorp
Classification: Uncertain significance. Last evaluated: 2024-12-26. Review status: criteria provided, single submitter. Criteria: Invitae Variant Classification Sherloc (09022015). Collection method: clinical testing. Allele origin: germline.
Comment: This sequence change replaces tyrosine, which is neutral and polar, with cysteine, which is neutral and slightly polar, at codon 829 of the LAMA3 protein (p.Tyr829Cys). This variant is not present in population databases (gnomAD no frequency). This variant has not been reported in the literature in individuals affected with LAMA3-related conditions. Invitae Evidence Modeling of protein sequence and biophysical properties (such as structural, functional, and spatial information, amino acid conservation, physicochemical variation, residue mobility, and thermodynamic stability) indicates that this missense variant is expected to disrupt LAMA3 protein function with a positive predictive value of 80%. In summary, the available evidence is currently insufficient to determine the role of this variant in disease. Therefore, it has been classified as a Variant of Uncertain Significance.